The following is an entry in ClinVar:

NM_021729.6(VPS11):c.1889G>A (p.Arg630Gln)

Gene: VPS11 (VPS11 core subunit of CORVET and HOPS complexes; plus strand). Cytogenetic location: 11q23.3.
Variant type: single nucleotide variant.
Coding change: c.1889G>A on transcript NM_021729.6 (MANE Select); coding-DNA position 1889, G replaced by A.
Protein change: p.Arg630Gln; replaces arginine 630 with glutamine.
Molecular consequence: missense variant. On other transcripts: non-coding transcript variant (8).
Genome position (GRCh38, 1-based): chr11:119,078,300, G>A. VCF-style: chr11-119078300-G-A. GRCh37 (hg19) VCF-style: chr11-118949010-G-A.
Other names: c.1859G>A, p.Arg620Gln (NM_001290185.2); c.1901G>A, p.Arg634Gln (NM_001378218.1, NM_001378219.1); c.1874G>A, p.Arg625Gln (NM_001378220.1); c.1871G>A, p.Arg624Gln (NM_001378221.1); short protein forms R624Q, R625Q, R634Q, R620Q, R630Q.
Identifiers: ClinVar variation 1935924 (VCV001935924.4), dbSNP rs782769981, ClinGen allele CA6313547.

ClinVar aggregate classification (germline): Uncertain significance (1 of 4 stars; one submission).

Allele frequency attached by ClinVar (database versions not stated): TOPMed 0.00003; gnomAD 0.00004; ExAC 0.00010.
gnomAD v4.1: 72 of 1,612,550 alleles (0.0045%); highest among the groups gnomAD compares: Non-Finnish European, 0.0053%; no homozygotes.

Submission:

Labcorp Genetics (formerly Invitae), Labcorp
Classification: Uncertain significance. Last evaluated: 2024-10-28. Review status: criteria provided, single submitter. Criteria: Invitae Variant Classification Sherloc (09022015). Collection method: clinical testing. Allele origin: germline.
Comment: This sequence change replaces arginine, which is basic and polar, with glutamine, which is neutral and polar, at codon 630 of the VPS11 protein (p.Arg630Gln). This variant is present in population databases (rs782769981, gnomAD 0.01%). This variant has not been reported in the literature in individuals affected with VPS11-related conditions. ClinVar contains an entry for this variant (Variation ID: 1935924). Invitae Evidence Modeling of protein sequence and biophysical properties (such as structural, functional, and spatial information, amino acid conservation, physicochemical variation, residue mobility, and thermodynamic stability) indicates that this missense variant is not expected to disrupt VPS11 protein function with a negative predictive value of 80%. In summary, the available evidence is currently insufficient to determine the role of this variant in disease. Therefore, it has been classified as a Variant of Uncertain Significance.